The following is an entry in ClinVar:

NM_001844.5(COL2A1):c.1555G>A (p.Gly519Ser)

Gene: COL2A1 (collagen type II alpha 1 chain; minus strand). Cytogenetic location: 12q13.11.
Variant type: single nucleotide variant.
Coding change: c.1555G>A on transcript NM_001844.5 (MANE Select); coding-DNA position 1555, G replaced by A.
Protein change: p.Gly519Ser; replaces glycine 519 with serine.
Molecular consequence: missense variant.
Genome position (GRCh38, 1-based): chr12:47,985,938, C>T on the plus strand (G>A on the coding strand, the complement: COL2A1 is on the minus strand). VCF-style: chr12-47985938-C-T. GRCh37 (hg19) VCF-style: chr12-48379721-C-T.
Other names: c.1348G>A, p.Gly450Ser (NM_033150.3); short protein forms G450S, G519S.
Identifiers: ClinVar variation 1712893 (VCV001712893.7), dbSNP rs1340468176, ClinGen allele CA384552079.

ClinVar aggregate classification (germline): Likely pathogenic. Review status: criteria provided, multiple submitters, no conflicts (2 of 4 stars). 2 submissions from 2 submitters: Likely pathogenic (2). Last evaluated 2026-07-17.

Submissions (2):

GeneDx
Classification: Likely pathogenic. Last evaluated: 2026-07-17. Review status: criteria provided, single submitter. Criteria: GeneDx Variant Classification Process June 2021. Collection method: clinical testing. Allele origin: germline.
Comment: Reported in a patient with spondylo-epiphyseal dysplasia in published literature (PMID: 22791362); Occurs in the triple helical domain and replaces a glycine in a canonical Gly-X-Y repeat; missense substitution of a canonical glycine residue is expected to disrupt normal protein folding and function, and this is an established mechanism of disease (Jovanovic et al., 2021); Not observed at significant frequency in large population cohorts (gnomAD); This variant is associated with the following publications: (PMID: 22791362, 34007986)

Labcorp Genetics (formerly Invitae), Labcorp
Classification: Likely pathogenic. Last evaluated: 2022-04-25. Review status: criteria provided, single submitter. Criteria: Invitae Variant Classification Sherloc (09022015). Collection method: clinical testing. Allele origin: germline.
Comment: This missense change has been observed in individual(s) with autosomal dominant spondylo-epiphyseal dysplasia congenita (PMID: 25604898). This variant disrupts the triple helix domain of COL2A1. Glycine residues within the Gly-Xaa-Yaa repeats of the triple helix domain are required for the structure and stability of fibrillar collagens (PMID: 7695699, 8218237, 19344236). In COL2A1, variants affecting these glycine residues are significantly enriched in individuals with disease (PMID: 9016532, 17078022) compared to the general population (ExAC). Advanced modeling of protein sequence and biophysical properties (such as structural, functional, and spatial information, amino acid conservation, physicochemical variation, residue mobility, and thermodynamic stability) performed at Invitae indicates that this missense variant is expected to disrupt COL2A1 protein function. In summary, the currently available evidence indicates that the variant is pathogenic, but additional data are needed to prove that conclusively. Therefore, this variant has been classified as Likely Pathogenic. This sequence change replaces glycine, which is neutral and non-polar, with serine, which is neutral and polar, at codon 519 of the COL2A1 protein (p.Gly519Ser). This variant is not present in population databases (gnomAD no frequency).

Literature cited by the submitters: PubMed 25604898 (cited by Labcorp Genetics (formerly Invitae), Labcorp); PubMed 7695699 (cited by Labcorp Genetics (formerly Invitae), Labcorp); PubMed 8218237 (cited by Labcorp Genetics (formerly Invitae), Labcorp); PubMed 19344236 (cited by Labcorp Genetics (formerly Invitae), Labcorp); PubMed 9016532 (cited by Labcorp Genetics (formerly Invitae), Labcorp); PubMed 17078022 (cited by Labcorp Genetics (formerly Invitae), Labcorp).